The following is an entry in ClinVar:

ClinVar aggregate classification (germline): Uncertain significance (0 of 4 stars; one submission).

Conditions:
Arrhythmogenic right ventricular dysplasia 8 (ARVD8). Also called: ARRHYTHMOGENIC RIGHT VENTRICULAR DYSPLASIA, FAMILIAL, 8; ARRHYTHMOGENIC RIGHT VENTRICULAR CARDIOMYOPATHY 8; Arrhythmogenic Right Ventricular Dysplasia/Cardiomyopathy 8. Identifiers: OMIM 607450, MedGen C1843896, MONDO:0011831.

Submission:

Division of Human Genetics, Children's Hospital of Philadelphia
Classification: Uncertain significance for Arrhythmogenic right ventricular dysplasia 8. Last evaluated: 2014-07-17. Review status: no assertion criteria provided. Collection method: research. Allele origin: maternal. Affected: yes. Study: CSER-PediSeq.
Comment: This test identified a novel variant (c.274-3C>G) in the DSP gene. This gene is associated with cardiomypathies and keratodermas: arrhythmogenic right ventricular dysplasia 8 (autosomal dominant), dilated cardiomyopathy with woolly hair and keratoderma (autosomal dominant and autosomal recessive), keratosis palmoplantaris striata II (autosomal dominant) and other autosomal recessive keratodermas. The novel DSP variant occurs in the third intronic position of the splice acceptor site. Splice site mutations in this gene have previously been reported in patients with arrhythmogenic right ventricular cardiomyopathy. However, there is no evidence in the literature supporting any splicing/expression changes resulting from the variant identified in this test. Furthermore, in silico predictions are conflicting. Therefore, this variant is considered a variant of unknown significance.

NM_004415.4(DSP):c.274-3C>G

Gene: DSP (desmoplakin; plus strand). Cytogenetic location: 6p24.3.
Variant type: single nucleotide variant.
Coding change: c.274-3C>G on transcript NM_004415.4 (MANE Select); 3 bases into the intron before coding-DNA position 274, C replaced by G.
Molecular consequence: intron variant.
Genome position (GRCh38, 1-based): chr6:7,558,113, C>G. VCF-style: chr6-7558113-C-G. GRCh37 (hg19) VCF-style: chr6-7558346-C-G.
Other names: c.274-3C>G (LRG_423t1, NM_001319034.2, NM_001008844.3).
Identifiers: ClinVar variation 203365 (VCV000203365.1), dbSNP rs794729638, ClinGen allele CA005567.